The following is an entry in ClinVar:

ClinVar aggregate classification (germline): Likely benign (0 of 4 stars; one submission).

Conditions:
EPPK1-related disorder. Also called: EPPK1-related condition.

Allele frequency attached by ClinVar (database versions not stated): ExAC 0.00028; gnomAD 0.00046; TOPMed 0.00053; ESP Exome Variant Server 0.00119.

Submission:

PreventionGenetics, part of Exact Sciences
Classification: Likely benign for EPPK1-related condition. Last evaluated: 2022-12-27. Review status: no assertion criteria provided. Collection method: clinical testing. Allele origin: germline.
Comment: This variant is classified as likely benign based on ACMG/AMP sequence variant interpretation guidelines (Richards et al. 2015 PMID: 25741868, with internal and published modifications).

NM_031308.4(EPPK1):c.4629G>A (p.Thr1543=)

Gene: EPPK1 (epiplakin 1; minus strand). Cytogenetic location: 8q24.3.
Variant type: single nucleotide variant.
Coding change: c.4629G>A on transcript NM_031308.4 (MANE Select); coding-DNA position 4629, G replaced by A.
Protein change: p.Thr1543=; no amino-acid change (threonine 1543 retained).
Molecular consequence: synonymous variant.
Genome position (GRCh38, 1-based): chr8:143,868,625, C>T on the plus strand (G>A on the coding strand, the complement: EPPK1 is on the minus strand). VCF-style: chr8-143868625-C-T. GRCh37 (hg19) VCF-style: chr8-144942793-C-T.
Identifiers: ClinVar variation 3054292 (VCV003054292.2), dbSNP rs370669571, ClinGen allele CA4922434.
Genomic context (GRCh38, chr8:143,868,625, plus strand): 5'-CACGCTGTCCATCTCCGCCACCTCCTTCACAGTCGTTGTCCCCTGGCTCAGCTCGTCCAG[C>T]GTCTTCCTGCTGATCAGCTGCGCCCTGAACAGGTCCCTGGCTGACACCTGCTTCCGGAGC-3'
Protein context (NP_112598.3, residues 1533-1553): LFRAQLISRK[Thr1543=]LDELSQGTTT